The following is an entry in ClinVar:

NM_000628.5(IL10RB):c.611G>A (p.Trp204Ter)

Genes: IFNAR2-IL10RB (IFNAR2-IL10RB readthrough; plus strand), IL10RB (interleukin 10 receptor subunit beta; plus strand). Cytogenetic location: 21q22.11.
Variant type: single nucleotide variant.
Coding change: c.611G>A on transcript NM_000628.5 (MANE Select); coding-DNA position 611, G replaced by A.
Protein change: p.Trp204Ter; replaces tryptophan 204 with a stop codon.
Molecular consequence: nonsense.
Genome position (GRCh38, 1-based): chr21:33,283,206, G>A. VCF-style: chr21-33283206-G-A. GRCh37 (hg19) VCF-style: chr21-34655511-G-A.
Other names: short protein forms W204*.
Identifiers: ClinVar variation 631881 (VCV000631881.10), dbSNP rs1329427406, ClinGen allele CA410110372.
Genomic context (GRCh38, chr21:33,283,206, plus strand): 5'-GGACAACTTATTGTGTTCAAGTTCGAGGGTTTCTTCCTGATCGGAACAAAGCTGGGGAAT[G>A]GAGTGAGCCTGTCTGTGAGCAAACAACCCATGACGGTAAGCCCTGAGATGCACCTCCGCT-3'

ClinVar aggregate classification (germline): Pathogenic/Likely pathogenic. Review status: criteria provided, multiple submitters, no conflicts (2 of 4 stars). 3 submissions from 3 submitters: Pathogenic (1); Likely pathogenic (2). Last evaluated 2025-10-06.

Conditions:
IL10RB-related disorder. Also called: IL10RB-related condition.
Inflammatory bowel disease 25. Also called: Inflammatory bowel disease 25, early onset, autosomal recessive. Identifiers: Orphanet 238569, MedGen C2675508, MONDO:0012941, OMIM 612567.

Allele frequency attached by ClinVar (database versions not stated): gnomAD 0.00001; gnomAD exomes 0.00001 and 0.00002; TOPMed 0.00001.
gnomAD v4.1: 23 of 1,613,990 alleles (0.0014%); highest among the groups gnomAD compares: Non-Finnish European, 0.0019%; no homozygotes.

Submissions (3):

PreventionGenetics, part of Exact Sciences
Classification: Likely pathogenic for IL10RB-related condition. Last evaluated: 2025-10-06. Review status: criteria provided, single submitter. Criteria: ACMG Guidelines, 2015. Collection method: clinical testing. Allele origin: germline.
Comment: The IL10RB c.611G>A variant is predicted to result in premature protein termination (p.Trp204*). This variant has been reported in two individuals with Inflammatory bowel disease (Kotlarz et al. 2012. PubMed ID: 22549091). This variant is reported in 0.011% of alleles in individuals of East Asian descent in gnomAD. Nonsense variants in IL10RB are expected to be pathogenic. This variant is interpreted as likely pathogenic.

Labcorp Genetics (formerly Invitae), Labcorp
Classification: Pathogenic for Inflammatory bowel disease 25. Last evaluated: 2023-02-22. Review status: criteria provided, single submitter. Criteria: Invitae Variant Classification Sherloc (09022015). Collection method: clinical testing. Allele origin: germline.
Comment: For these reasons, this variant has been classified as Pathogenic. ClinVar contains an entry for this variant (Variation ID: 631881). This premature translational stop signal has been observed in individuals with very early onset inflammatory bowel disease (PMID: 22549091, 27336593). This variant is present in population databases (no rsID available, gnomAD 0.01%). This sequence change creates a premature translational stop signal (p.Trp204*) in the IL10RB gene. It is expected to result in an absent or disrupted protein product. Loss-of-function variants in IL10RB are known to be pathogenic (PMID: 22549091).

Illumina Laboratory Services, Illumina
Classification: Likely pathogenic for Inflammatory bowel disease 25. Last evaluated: 2018-02-20. Review status: criteria provided, single submitter. Criteria: ICSL Variant Classification Criteria 09 May 2019. Collection method: clinical testing. Allele origin: germline.
Comment: The IL10RB c.611G>A (p.Trp204Ter) variant is a stop-gained variant that is predicted to result in premature termination of the protein. This variant has been reported in two studies and is found in three individuals with early-onset severe inflammatory bowel disease. This variant was found in a homozygous state in one proband and in a compound heterozygous state in two probands (Kotlarz et al. 2012; Shouval et al. 2016). One of the compound heterozygous individuals, who had a history of infantile IBD, also presented with large B-cell lymphoma (Shouval et al. 2016). Control data are unavailable for the p.Trp204Ter variant which is reported at a frequency of 0.000116 in the East Asian population of the Genome Aggregation Database, but this is based on two alleles in a region of good sequence coverage so the variant is presumed to be rare. Based on the evidence and the potential impact of stop-gained variants, the p.Trp204Ter variant is classified as likely pathogenic for inflammatory bowel disease. This variant was observed by ICSL as part of a predisposition screen in an ostensibly healthy population.

Literature cited by the submitters: PubMed 22549091 (cited by Labcorp Genetics (formerly Invitae), Labcorp and Illumina Laboratory Services, Illumina); PubMed 27336593 (cited by Labcorp Genetics (formerly Invitae), Labcorp and Illumina Laboratory Services, Illumina).